The following is an entry in ClinVar:

ClinVar aggregate classification (germline): Uncertain significance (1 of 4 stars; one submission).

Conditions:
Vici syndrome (VICIS). Identifiers: Orphanet 1493, MedGen C1855772, MONDO:0009452, OMIM 242840.

Allele frequency attached by ClinVar (database versions not stated): gnomAD exomes below 0.00001.
gnomAD v4.1: 3 of 1,610,138 alleles (0.00019%); highest among the groups gnomAD compares: South Asian, 0.0022%; no homozygotes.

Submission:

Labcorp Genetics (formerly Invitae), Labcorp
Classification: Uncertain significance for Vici syndrome. Last evaluated: 2021-08-05. Review status: criteria provided, single submitter. Criteria: Invitae Variant Classification Sherloc (09022015). Collection method: clinical testing. Allele origin: germline.
Comment: In summary, the available evidence is currently insufficient to determine the role of this variant in disease. Therefore, it has been classified as a Variant of Uncertain Significance. Algorithms developed to predict the effect of missense changes on protein structure and function output the following: SIFT: "Tolerated"; PolyPhen-2: "Benign"; Align-GVGD: "Class C0". The isoleucine amino acid residue is found in multiple mammalian species, which suggests that this missense change does not adversely affect protein function. This variant has not been reported in the literature in individuals affected with EPG5-related conditions. This variant is not present in population databases (ExAC no frequency). This sequence change replaces threonine with isoleucine at codon 908 of the EPG5 protein (p.Thr908Ile). The threonine residue is weakly conserved and there is a moderate physicochemical difference between threonine and isoleucine.

NM_020964.3(EPG5):c.2723C>T (p.Thr908Ile)

Gene: EPG5 (ectopic P-granules 5 autophagy tethering factor; minus strand). Cytogenetic location: 18q21.1.
Variant type: single nucleotide variant.
Coding change: c.2723C>T on transcript NM_020964.3 (MANE Select); coding-DNA position 2723, C replaced by T.
Protein change: p.Thr908Ile; replaces threonine 908 with isoleucine.
Molecular consequence: missense variant.
Genome position (GRCh38, 1-based): chr18:45,923,383, G>A on the plus strand (C>T on the coding strand, the complement: EPG5 is on the minus strand). VCF-style: chr18-45923383-G-A. GRCh37 (hg19) VCF-style: chr18-43503349-G-A.
Other names: short protein forms T908I.
Identifiers: ClinVar variation 1372727 (VCV001372727.7), dbSNP rs2145765529, ClinGen allele CA402345381.